The following is an entry in ClinVar:

NM_000136.3(FANCC):c.1073-20G>A

Genes: AOPEP (aminopeptidase O (putative); plus strand), FANCC (FA complementation group C; minus strand). Cytogenetic location: 9q22.32.
Variant type: single nucleotide variant.
Coding change: c.1073-20G>A on transcript NM_000136.3 (MANE Select); 20 bases into the intron before coding-DNA position 1073, G replaced by A.
Molecular consequence: intron variant.
Genome position (GRCh38, 1-based): chr9:95,114,730, C>T on the plus strand (G>A on the coding strand, the complement: FANCC is on the minus strand). VCF-style: chr9-95114730-C-T. GRCh37 (hg19) VCF-style: chr9-97877012-C-T.
Other names: c.1073-20G>A (NM_001243743.2, NM_001243744.2).
Identifiers: ClinVar variation 379911 (VCV000379911.4), dbSNP rs781438798, ClinGen allele CA5137465.

ClinVar aggregate classification (germline): Likely benign. Review status: criteria provided, multiple submitters, no conflicts (2 of 4 stars). 2 submissions from 2 submitters: Likely benign (2). Last evaluated 2026-01-22.

Conditions:
Fanconi anemia (FA). Also called: Fanconi's anemia. Identifiers: Orphanet 84, MedGen C0015625, MeSH D005199, MONDO:0019391.

Allele frequency attached by ClinVar (database versions not stated): ExAC 0.00001; gnomAD exomes 0.00001; TOPMed 0.00002; gnomAD 0.00003.
gnomAD v4.1: 33 of 1,606,454 alleles (0.0021%); highest among the groups gnomAD compares: African/African-American, 0.0027%; no homozygotes.

Submissions (2):

Labcorp Genetics (formerly Invitae), Labcorp
Classification: Likely benign for Fanconi anemia. Last evaluated: 2026-01-22. Review status: criteria provided, single submitter. Criteria: Invitae Variant Classification Sherloc (09022015). Collection method: clinical testing. Allele origin: germline.

GeneDx
Classification: Likely benign. Last evaluated: 2016-10-21. Review status: criteria provided, single submitter. Criteria: GeneDx Variant Classification (06012015). Collection method: clinical testing. Allele origin: germline. Affected: yes.
Comment: This variant is considered likely benign or benign based on one or more of the following criteria: it is a conservative change, it occurs at a poorly conserved position in the protein, it is predicted to be benign by multiple in silico algorithms, and/or has population frequency not consistent with disease.